The following is an entry in ClinVar:

ClinVar aggregate classification (germline): Conflicting classifications of pathogenicity. Review status: criteria provided, conflicting classifications (1 of 4 stars). 2 submissions from 2 submitters: Uncertain significance (1); Likely benign (1). Last evaluated 2025-03-19.

Conditions:
Immunodeficiency 39 (IMD39). Identifiers: Orphanet 574918, MedGen C4225358, MONDO:0014597, OMIM 616345.

Allele frequency attached by ClinVar (database versions not stated): gnomAD exomes 0.00002; ExAC 0.00007; ESP Exome Variant Server 0.00023; TOPMed 0.00025; gnomAD 0.00028.
gnomAD v4.1: 72 of 1,605,250 alleles (0.0045%); highest among the groups gnomAD compares: African/African-American, 0.074%; no homozygotes.

Submissions (2):

Labcorp Genetics (formerly Invitae), Labcorp
Classification: Uncertain significance for Immunodeficiency 39. Last evaluated: 2025-03-19. Review status: criteria provided, single submitter. Criteria: Invitae Variant Classification Sherloc (09022015). Collection method: clinical testing. Allele origin: germline.
Comment: This sequence change replaces threonine, which is neutral and polar, with alanine, which is neutral and non-polar, at codon 256 of the IRF7 protein (p.Thr256Ala). This variant is present in population databases (rs149567022, gnomAD 0.06%), and has an allele count higher than expected for a pathogenic variant. This variant has not been reported in the literature in individuals affected with IRF7-related conditions. ClinVar contains an entry for this variant (Variation ID: 2888197). An algorithm developed to predict the effect of missense changes on protein structure and function outputs the following: PolyPhen-2: "Benign". The alanine amino acid residue is found in multiple mammalian species, which suggests that this missense change does not adversely affect protein function. In summary, the available evidence is currently insufficient to determine the role of this variant in disease. Therefore, it has been classified as a Variant of Uncertain Significance.

Blueprint Genetics
Classification: Likely benign. Last evaluated: 2022-06-29. Review status: criteria provided, single submitter. Criteria: ACMG Guidelines, 2015. Collection method: clinical testing. Allele origin: germline.

NM_001572.5(IRF7):c.727A>G (p.Thr243Ala)

Gene: IRF7 (interferon regulatory factor 7; minus strand). Cytogenetic location: 11p15.5.
Variant type: single nucleotide variant.
Coding change: c.727A>G on transcript NM_001572.5 (MANE Select); coding-DNA position 727, A replaced by G.
Protein change: p.Thr243Ala; replaces threonine 243 with alanine.
Molecular consequence: missense variant. On other transcripts: intron variant (1).
Genome position (GRCh38, 1-based): chr11:613,990, T>C on the plus strand (A>G on the coding strand, the complement: IRF7 is on the minus strand). VCF-style: chr11-613990-T-C. GRCh37 (hg19) VCF-style: chr11-613990-T-C.
Other names: c.766A>G, p.Thr256Ala (NM_004031.4); c.680-125A>G (NM_004029.4); short protein forms T243A, T256A.
Identifiers: ClinVar variation 2888197 (VCV002888197.4), dbSNP rs149567022, ClinGen allele CA5783811.
Genomic context (GRCh38, chr11:613,990, plus strand): 5'-CCCAACCCCTACCCCTCTCACCTGTCGTTAGTGCCGCGGGCTGGGGCCCGGGGCTGGGGG[T>C]CGTCTCTACTGCCCACCCGTACAGCTCCCCAGCAGGGAGCCCTGGGCCTGAGGAGGGGAG-3'
Protein context (NP_001563.2, residues 233-253): GELYGWAVET[Thr243Ala]PSPGPQPAAL